The following is an entry in ClinVar:

ClinVar aggregate classification (germline): Uncertain significance (1 of 4 stars; one submission).

Conditions:
Acrocallosal syndrome (ACLS). Also called: Schinzel syndrome 1; Absence of corpus callosum with unusual facial appearance, mental deficiency, duplication of the halluces and polydactyly; HALLUX DUPLICATION, POSTAXIAL POLYDACTYLY, AND ABSENCE OF CORPUS CALLOSUM. Identifiers: Orphanet 36, MedGen C0796147, MONDO:0008708, OMIM 200990.

gnomAD v4.1: 1 of 1,610,432 alleles (0.000062%); highest among the groups gnomAD compares: Non-Finnish European, 0.000085%; no homozygotes.

Submission:

Labcorp Genetics (formerly Invitae), Labcorp
Classification: Uncertain significance for Acrocallosal syndrome. Last evaluated: 2022-01-04. Review status: criteria provided, single submitter. Criteria: Invitae Variant Classification Sherloc (09022015). Collection method: clinical testing. Allele origin: germline.
Comment: In summary, the available evidence is currently insufficient to determine the role of this variant in disease. Therefore, it has been classified as a Variant of Uncertain Significance. Algorithms developed to predict the effect of missense changes on protein structure and function are either unavailable or do not agree on the potential impact of this missense change (SIFT: "Deleterious"; PolyPhen-2: "Possibly Damaging"; Align-GVGD: "Class C0"). This variant has not been reported in the literature in individuals affected with KIF7-related conditions. This variant is not present in population databases (gnomAD no frequency). This sequence change replaces alanine, which is neutral and non-polar, with proline, which is neutral and non-polar, at codon 792 of the KIF7 protein (p.Ala792Pro).

NM_198525.3(KIF7):c.2374G>C (p.Ala792Pro)

Gene: KIF7 (kinesin family member 7; minus strand). Cytogenetic location: 15q26.1.
Variant type: single nucleotide variant.
Coding change: c.2374G>C on transcript NM_198525.3 (MANE Select); coding-DNA position 2374, G replaced by C.
Protein change: p.Ala792Pro; replaces alanine 792 with proline.
Molecular consequence: missense variant.
Genome position (GRCh38, 1-based): chr15:89,642,223, C>G on the plus strand (G>C on the coding strand, the complement: KIF7 is on the minus strand). VCF-style: chr15-89642223-C-G. GRCh37 (hg19) VCF-style: chr15-90185454-C-G.
Other names: short protein forms A792P.
Identifiers: ClinVar variation 2073747 (VCV002073747.4), dbSNP rs139150855, ClinGen allele CA393761237.